The following is an entry in ClinVar:

ClinVar aggregate classification (germline): Uncertain significance (1 of 4 stars; one submission).

Conditions:
Hyperkalemic periodic paralysis. Also called: Familial hyperkalemic periodic paralysis; Gamstorp disease. Identifiers: Orphanet 682, MedGen C0238357, MONDO:0008224, OMIM 170500, HP:0007215.

Submission:

Labcorp Genetics (formerly Invitae), Labcorp
Classification: Uncertain significance for Hyperkalemic periodic paralysis. Last evaluated: 2024-08-31. Review status: criteria provided, single submitter. Criteria: Invitae Variant Classification Sherloc (09022015). Collection method: clinical testing. Allele origin: germline.
Comment: This sequence change replaces glycine, which is neutral and non-polar, with serine, which is neutral and polar, at codon 308 of the SCN4A protein (p.Gly308Ser). This variant is not present in population databases (gnomAD no frequency). This variant has not been reported in the literature in individuals affected with SCN4A-related conditions. Invitae Evidence Modeling of protein sequence and biophysical properties (such as structural, functional, and spatial information, amino acid conservation, physicochemical variation, residue mobility, and thermodynamic stability) has been performed for this missense variant. However, the output from this modeling did not meet the statistical confidence thresholds required to predict the impact of this variant on SCN4A protein function. In summary, the available evidence is currently insufficient to determine the role of this variant in disease. Therefore, it has been classified as a Variant of Uncertain Significance.

NM_000334.4(SCN4A):c.922G>A (p.Gly308Ser)

Gene: SCN4A (sodium voltage-gated channel alpha subunit 4; minus strand). Cytogenetic location: 17q23.3.
Variant type: single nucleotide variant.
Coding change: c.922G>A on transcript NM_000334.4 (MANE Select); coding-DNA position 922, G replaced by A.
Protein change: p.Gly308Ser; replaces glycine 308 with serine.
Molecular consequence: missense variant.
Genome position (GRCh38, 1-based): chr17:63,968,137, C>T on the plus strand (G>A on the coding strand, the complement: SCN4A is on the minus strand). VCF-style: chr17-63968137-C-T. GRCh37 (hg19) VCF-style: chr17-62045497-C-T.
Other names: short protein forms G308S.
Identifiers: ClinVar variation 3623628 (VCV003623628.2).